The following is an entry in ClinVar:

ClinVar aggregate classification (germline): Likely benign. Review status: criteria provided, multiple submitters, no conflicts (2 of 4 stars). 2 submissions from 2 submitters: Likely benign (2). Last evaluated 2025-03-19.

Conditions:
ADGRV1-related disorder. Also called: ADGRV1-related disorders; ADGRV1-related condition.

Allele frequency attached by ClinVar (database versions not stated): gnomAD exomes below 0.00001 and 0.00002; gnomAD 0.00001; TOPMed 0.00002; ExAC 0.00003.
gnomAD v4.1: 6 of 1,599,048 alleles (0.00038%); highest among the groups gnomAD compares: Admixed American, 0.0084%; no homozygotes.

Submissions (2):

PreventionGenetics, part of Exact Sciences
Classification: Likely benign for ADGRV1-related condition. Last evaluated: 2025-03-19. Review status: criteria provided, single submitter. Criteria: ACMG Guidelines, 2015. Collection method: clinical testing. Allele origin: germline.
Comment: This variant is classified as likely benign based on ACMG/AMP sequence variant interpretation guidelines (Richards et al. 2015 PMID: 25741868, with internal and published modifications).

Labcorp Genetics (formerly Invitae), Labcorp
Classification: Likely benign. Last evaluated: 2024-11-18. Review status: criteria provided, single submitter. Criteria: Invitae Variant Classification Sherloc (09022015). Collection method: clinical testing. Allele origin: germline.

NM_032119.4(ADGRV1):c.6491-9T>G

Gene: ADGRV1 (adhesion G protein-coupled receptor V1; plus strand). Cytogenetic location: 5q14.3.
Variant type: single nucleotide variant.
Coding change: c.6491-9T>G on transcript NM_032119.4 (MANE Select); 9 bases into the intron before coding-DNA position 6491, T replaced by G.
Molecular consequence: intron variant.
Genome position (GRCh38, 1-based): chr5:90,689,852, T>G. VCF-style: chr5-90689852-T-G. GRCh37 (hg19) VCF-style: chr5-89985669-T-G.
Other names: c.6491-9T>G (NM_032119.3).
Identifiers: ClinVar variation 1649873 (VCV001649873.9), dbSNP rs746303749, ClinGen allele CA3339813.